The following is an entry in ClinVar:

ClinVar aggregate classification (germline): Uncertain significance (1 of 4 stars; one submission).

Conditions:
BBS10-related disorder. Also called: BBS10-related condition.

gnomAD v4.1: 2 of 1,611,156 alleles (0.00012%); highest among the groups gnomAD compares: Non-Finnish European, 0.00017%; no homozygotes.

Submission:

PreventionGenetics, part of Exact Sciences
Classification: Uncertain significance for BBS10-related condition. Last evaluated: 2024-11-25. Review status: criteria provided, single submitter. Criteria: ACMG Guidelines, 2015. Collection method: clinical testing. Allele origin: germline.
Comment: The BBS10 c.804T>A variant is predicted to result in the amino acid substitution p.Phe268Leu. To our knowledge, this variant has not been reported in the literature. This variant is reported in 0.00088% of alleles in individuals of European (Non-Finnish) descent in gnomAD. At this time, the clinical significance of this variant is uncertain due to the absence of conclusive functional and genetic evidence.

NM_024685.4(BBS10):c.804T>A (p.Phe268Leu)

Gene: BBS10 (Bardet-Biedl syndrome 10; minus strand). Cytogenetic location: 12q21.2.
Variant type: single nucleotide variant.
Coding change: c.804T>A on transcript NM_024685.4 (MANE Select); coding-DNA position 804, T replaced by A.
Protein change: p.Phe268Leu; replaces phenylalanine 268 with leucine.
Molecular consequence: missense variant.
Genome position (GRCh38, 1-based): chr12:76,347,181, A>T on the plus strand (T>A on the coding strand, the complement: BBS10 is on the minus strand). VCF-style: chr12-76347181-A-T. GRCh37 (hg19) VCF-style: chr12-76740961-A-T.
Other names: short protein forms F268L.
Identifiers: ClinVar variation 4988521 (VCV004988521.1).
Genomic context (GRCh38, chr12:76,347,181, plus strand): 5'-AAATTGAGATGTCTGAAACTGTGCTTCTGAATTTAGAATAAACTCTGATCCAGAAGTGGA[A>T]AAAAGAGGCTGAATGGTTTCTGTTACTATCACCATTCGCATGTCACCATCTGCTGGGCGG-3'
Protein context (NP_078961.3, residues 258-278): VIVTETIQPL[Phe268Leu]STSGSEFILN